The following is an entry in ClinVar:

NM_001379286.1(ZNF423):c.1415A>G (p.His472Arg)

Gene: ZNF423 (zinc finger protein 423; minus strand). Cytogenetic location: 16q12.1.
Variant type: single nucleotide variant.
Coding change: c.1415A>G on transcript NM_001379286.1 (MANE Select); coding-DNA position 1415, A replaced by G.
Protein change: p.His472Arg; replaces histidine 472 with arginine.
Molecular consequence: missense variant.
Genome position (GRCh38, 1-based): chr16:49,637,761, T>C on the plus strand (A>G on the coding strand, the complement: ZNF423 is on the minus strand). VCF-style: chr16-49637761-T-C. GRCh37 (hg19) VCF-style: chr16-49671672-T-C.
Other names: c.1211A>G, p.His404Arg (NM_001271620.2); c.1040A>G, p.His347Arg (NM_001330533.2); c.1391A>G, p.His464Arg (NM_015069.5); short protein forms H347R, H464R, H404R, H472R.
Identifiers: ClinVar variation 953449 (VCV000953449.9), dbSNP rs1221049277, ClinGen allele CA395849503.

ClinVar aggregate classification (germline): Uncertain significance (1 of 4 stars; one submission).

Conditions:
Nephronophthisis 14 (NPHP14). Identifiers: Orphanet 2318, MedGen C3539071, MONDO:0013916, OMIM 614844.

Allele frequency attached by ClinVar (database versions not stated): gnomAD exomes below 0.00001; TOPMed below 0.00001.
gnomAD v4.1: 2 of 1,614,142 alleles (0.00012%); highest among the groups gnomAD compares: Non-Finnish European, 0.00017%; no homozygotes.

Submission:

Labcorp Genetics (formerly Invitae), Labcorp
Classification: Uncertain significance for Nephronophthisis 14. Last evaluated: 2019-11-13. Review status: criteria provided, single submitter. Criteria: Invitae Variant Classification Sherloc (09022015). Collection method: clinical testing. Allele origin: germline.
Comment: This sequence change replaces histidine with arginine at codon 464 of the ZNF423 protein (p.His464Arg). The histidine residue is highly conserved and there is a small physicochemical difference between histidine and arginine. This variant is not present in population databases (ExAC no frequency). This variant has not been reported in the literature in individuals with ZNF423-related conditions. Algorithms developed to predict the effect of missense changes on protein structure and function are either unavailable or do not agree on the potential impact of this missense change (SIFT: "Tolerated"; PolyPhen-2: "Probably Damaging"; Align-GVGD: "Class C0"). In summary, the available evidence is currently insufficient to determine the role of this variant in disease. Therefore, it has been classified as a Variant of Uncertain Significance.